The following is an entry in ClinVar:

ClinVar aggregate classification (germline): Pathogenic/Likely pathogenic. Review status: criteria provided, multiple submitters, no conflicts (2 of 4 stars). 16 submissions from 16 submitters: Pathogenic (10); Likely pathogenic (3). 3 of the submissions do not count toward it. Last evaluated 2025-10-13.

Conditions:
KIF1A-related disorder. Also called: KIF1A-related disorders; KIF1A-related condition.
Neuropathy, hereditary sensory, type 2C. Also called: KIF1A-Related HSAN2 (HSAN2C); Hereditary sensory and autonomic neuropathy type IIC. Identifiers: Orphanet 970, MedGen C3280168, MONDO:0013634, OMIM 614213.
Inborn genetic diseases. Identifiers: MedGen C0950123, MeSH D030342.
Intellectual disability, autosomal dominant 9 (NESCAVS). Also called: KIF1A-Related Neurodevelopmental Disorder; NESCAV SYNDROME. Identifiers: Orphanet 662367, MedGen C5393830, MONDO:0013656, OMIM 614255.
Hereditary spastic paraplegia 30. Identifiers: Orphanet 101010, MedGen C5235139, MONDO:0012476.
Hereditary spastic paraplegia. Also called: Familial spastic paraparesis. Identifiers: Orphanet 685, MedGen C0037773, MONDO:0019064. Disease mechanism: loss of function.

Submissions (16):

Dasa
Classification: Pathogenic. Last evaluated: 2025-10-13. Review status: criteria provided, single submitter. Criteria: DASA Assertion Criteria. Collection method: clinical testing. Allele origin: germline.
Comment: NM_001244008.2(KIF1A):c.773C>T (p.Thr258Met) is a missense variant that results in the substitution of threonine with methionine. The affected residue or protein region has prior evidence supporting clinical relevance. De novo occurrence has been reported in an individual with related phenotype. Segregation evidence has been reported in affected families. Functional evidence supports a deleterious effect on the gene or gene product (PMID: 32045731; PMID: 28970574; PMID: 31488895). This variant has been recurrently observed in individuals with related phenotype (PMID: 32045731; PMID: 28970574; PMID: 31488895). Multiple computational predictions support a deleterious effect on the gene or gene product. The variant is present at low frequency in population datasets. Based on the available data, this variant is classified as pathogenic.

GeneDx
Classification: Pathogenic. Last evaluated: 2024-12-12. Review status: criteria provided, single submitter. Criteria: GeneDx Variant Classification Process June 2021. Collection method: clinical testing. Allele origin: germline. Affected: yes.
Comment: Published functional studies demonstrate a damaging effect on selective binding to the GDP-bound lattice, motor activity, synaptic vesicle precursor delivery, and presynaptic strength in hippocampal neurons (PMID: 30612907, 28970574); Not observed at significant frequency in large population cohorts (gnomAD); In silico analysis supports that this missense variant has a deleterious effect on protein structure/function; This variant is associated with the following publications: (PMID: 32045731, 28970574, 31488895, 32935419, 33880452, 37251230, 27535533, 37273706, 34983064, 34758253, 26125038, 21820098, 21376300, 30612907)

3billion
Classification: Pathogenic for Spastic paraplegia 30A, autosomal dominant. Last evaluated: 2024-12-10. Review status: criteria provided, single submitter. Criteria: ACMG Guidelines, 2015. Collection method: clinical testing. Allele origin: germline. Affected: yes.
Comment: The variant is not observed in the gnomAD v4.1.0 dataset. Predicted Consequence/Location: The variant is located in a mutational hot spot and/or well-established functional domain in which established pathogenic variants have been reported (PMID: 31488895). In silico tool predictions suggest damaging effect of the variant on gene or gene product [REVEL: 0.79 (>=0.6, sensitivity 0.68 and specificity 0.92); 3Cnet: 0.99 (>=0.6, sensitivity 0.72 and precision 0.9)]. The same nucleotide change resulting in the same amino acid change has been previously reported as pathogenic/likely pathogenic with strong evidence (ClinVar ID: VCV000464261 /PMID: 28970574 /3billion dataset). A different missense change at the same codon (p.Thr258Lys) has been reported to be associated with KIF1A related disorder (ClinVar ID: VCV001507070). Therefore, this variant is classified as Pathogenic according to the recommendation of ACMG/AMP guideline.

Labcorp Genetics (formerly Invitae), Labcorp
Classification: Pathogenic for Hereditary spastic paraplegia 30; Neuropathy, hereditary sensory, type 2C; Intellectual disability, autosomal dominant 9. Last evaluated: 2024-10-17. Review status: criteria provided, single submitter. Criteria: Invitae Variant Classification Sherloc (09022015). Collection method: clinical testing. Allele origin: germline.
Comment: This sequence change replaces threonine, which is neutral and polar, with methionine, which is neutral and non-polar, at codon 258 of the KIF1A protein (p.Thr258Met). This variant is not present in population databases (gnomAD no frequency). This missense change has been observed in individual(s) with clinical features of HSP and hereditary spastic paraplegia (HSP) (PMID: 28970574; internal data). In at least one individual the variant was observed to be de novo. It has also been observed to segregate with disease in related individuals. ClinVar contains an entry for this variant (Variation ID: 464261). Invitae Evidence Modeling of protein sequence and biophysical properties (such as structural, functional, and spatial information, amino acid conservation, physicochemical variation, residue mobility, and thermodynamic stability) indicates that this missense variant is expected to disrupt KIF1A protein function with a positive predictive value of 95%. Experimental studies have shown that this missense change affects KIF1A function (PMID: 28970574). For these reasons, this variant has been classified as Pathogenic.

Neurometabolic Diseases Laboratory, Bellvitge Biomedical Research Institute (IDIBELL)
Classification: Likely pathogenic for Spastic paraplegia 30A, autosomal dominant. Last evaluated: 2023-04-27. Review status: criteria provided, single submitter. Criteria: ACMG Guidelines, 2015. Collection method: research. Allele origin: germline. Affected: yes.

Clinical Genetics Laboratory, Skane University Hospital Lund
Classification: Pathogenic. Last evaluated: 2023-02-13. Review status: criteria provided, single submitter. Criteria: ACMG Guidelines, 2015. Collection method: clinical testing. Allele origin: germline. Affected: yes.

Blueprint Genetics
Classification: Pathogenic for KIF1A-related disorders. Last evaluated: 2022-03-10. Review status: criteria provided, single submitter. Criteria: ACMG Guidelines, 2015. Collection method: clinical testing. Allele origin: germline. Affected: yes. Observed: 1 variant allele.

Genome Diagnostics Laboratory, The Hospital for Sick Children
Classification: Pathogenic for Hereditary spastic paraplegia. Last evaluated: 2021-11-02. Review status: criteria provided, single submitter. Criteria: ACMG Guidelines, 2015. Collection method: clinical testing. Allele origin: germline. Affected: yes.

MGZ Medical Genetics Center
Classification: Pathogenic for Neuropathy, hereditary sensory, type 2C. Last evaluated: 2021-10-11. Review status: criteria provided, single submitter. Criteria: ACMG Guidelines, 2015. Collection method: clinical testing. Allele origin: germline. Affected: yes. Observed: 1 variant allele.
Comment: ACMG criteria applied: PM6_STR, PS4_MOD, PM2_SUP, PP1, PP2, PP3

Institute of Medical Genetics and Applied Genomics, University Hospital Tübingen
Classification: Likely pathogenic. Last evaluated: 2020-10-23. Review status: criteria provided, single submitter. Criteria: ACMG Guidelines, 2015. Collection method: clinical testing. Allele origin: germline. Inheritance: Autosomal unknown. Affected: yes.

SIB Swiss Institute of Bioinformatics
Classification: Pathogenic for Spastic paraplegia 30A, autosomal dominant. Last evaluated: 2020-06-15. Review status: criteria provided, single submitter. Criteria: ACMG Guidelines, 2015. Collection method: curation. Allele origin: unknown.
Comment: This variant is interpreted as pathogenic for spastic paraplegia 30, autosomal dominant. The following ACMG Tag(s) were applied: Absent from controls (or at extremely low frequency if recessive) in Exome Sequencing Project, 1000 Genomes Project, or Exome Aggregation Consortium (PM2); Missense variant in a gene that has a low rate of benign missense variation and in which missense variants are a common mechanism of disease (PP2); Multiple lines of computational evidence support a deleterious effect on the gene or gene product (PP3); De novo (paternity and maternity confirmed) (PS2); Prevalence in affected individuals statistically increased over controls (PS4 downgraded to supporting); Cosegregation with disease in multiple affected family members in a gene definitively known to cause the disease (PP1).

Ambry Genetics
Classification: Likely pathogenic for Inborn genetic diseases. Last evaluated: 2018-04-09. Review status: criteria provided, single submitter. Criteria: Ambry exome assertion method (8-5-2015). Collection method: clinical testing. Allele origin: germline. Affected: yes. Observed: 1 variant allele.

Paris Brain Institute, Inserm - ICM
Classification: Pathogenic for Spastic paraplegia 30A, autosomal dominant. Review status: criteria provided, single submitter. Criteria: ACMG Guidelines, 2015. Collection method: clinical testing. Allele origin: unknown. Affected: yes. Observed: 4 variant alleles.

Solve-RD Consortium
Classification: Likely pathogenic for Spastic paraplegia 30A, autosomal dominant. Last evaluated: 2022-06-01. Review status: no assertion criteria provided. Collection method: provider interpretation. Allele origin: inherited. Affected: yes. Not counted in ClinVar's aggregate classification.
Comment: Variant confirmed as disease-causing by referring clinical team

Variant identified during reanalysis of unsolved cases by the Solve-RD project. The Solve-RD project has received funding from the European Union’s Horizon 2020 research and innovation programme under grant agreement No 779257.

Clinical Genetics Laboratory, University Hospital Schleswig-Holstein
Classification: Pathogenic for Intellectual disability, autosomal dominant 9. Last evaluated: 2021-09-16. Review status: no assertion criteria provided. Collection method: clinical testing. Allele origin: germline. Affected: yes. Not counted in ClinVar's aggregate classification.

Genomics England Pilot Project, Genomics England
Classification: Likely pathogenic for Spastic paraplegia 30A, autosomal dominant. Review status: no assertion criteria provided. Criteria: ACGS Guidelines, 2016. Collection method: clinical testing. Allele origin: germline. Affected: yes. Not counted in ClinVar's aggregate classification.

Literature cited by the submitters: PubMed 32045731 (cited by Dasa); PubMed 28970574 (cited by 5 submitters); PubMed 31488895 (cited by Dasa and SIB Swiss Institute of Bioinformatics); PubMed 27034427 (cited by Ambry Genetics); PubMed 39825153 (cited by Solve-RD Consortium).

NM_001244008.2(KIF1A):c.773C>T (p.Thr258Met)

Gene: KIF1A (kinesin family member 1A; minus strand). Cytogenetic location: 2q37.3.
Variant type: single nucleotide variant.
Coding change: c.773C>T on transcript NM_001244008.2 (MANE Select); coding-DNA position 773, C replaced by T.
Protein change: p.Thr258Met; replaces threonine 258 with methionine.
Molecular consequence: missense variant.
Genome position (GRCh38, 1-based): chr2:240,783,764, G>A on the plus strand (C>T on the coding strand, the complement: KIF1A is on the minus strand). VCF-style: chr2-240783764-G-A. GRCh37 (hg19) VCF-style: chr2-241723181-G-A.
Other names: c.773C>T, p.Thr258Met (NM_001320705.2, NM_001330289.2, NM_001330290.2 and 20 more transcripts); short protein forms T258M.
Identifiers: ClinVar variation 464261 (VCV000464261.59), dbSNP rs1553638086, ClinGen allele CA351303022.